The following is an entry in ClinVar:

ClinVar aggregate classification (germline): Benign/Likely benign. Review status: criteria provided, multiple submitters, no conflicts (2 of 4 stars). 4 submissions from 4 submitters: Benign (2); Likely benign (2). Last evaluated 2024-10-01.

Conditions:
Childhood apraxia of speech (SPCH1). Also called: SPEECH AND LANGUAGE DISORDER WITH OROFACIAL DYSPRAXIA; Speech language disorder; FOXP2-Related Speech and Language Disorder; DEVELOPMENTAL VERBAL DYSPRAXIA. Identifiers: Orphanet 209908, MedGen C0750927, MONDO:0011184, OMIM 602081.

Allele frequency attached by ClinVar (database versions not stated): 1000 Genomes Project 30x 0.00016; gnomAD exomes 0.00017 and 0.00026; 1000 Genomes Project 0.00020; ExAC 0.00020; ESP Exome Variant Server 0.00023; TOPMed 0.00023; gnomAD 0.00028 and 0.00030.
gnomAD v4.1: 413 of 1,613,182 alleles (0.026%); highest among the groups gnomAD compares: Non-Finnish European, 0.033%; no homozygotes.

Submissions (4):

CeGaT Center for Human Genetics Tuebingen
Classification: Likely benign. Last evaluated: 2024-10-01. Review status: criteria provided, single submitter. Criteria: CeGaT Center For Human Genetics Tuebingen Variant Classification Criteria Version 2. Collection method: clinical testing. Allele origin: germline. Affected: yes. Observed: 1 variant allele.
Comment: FOXP2: BP4, BS2

Centre for Mendelian Genomics, University Medical Centre Ljubljana
Classification: Benign for Childhood apraxia of speech. Last evaluated: 2019-03-08. Review status: criteria provided, single submitter. Criteria: ACMG Guidelines, 2015. Collection method: clinical testing. Allele origin: unknown. Affected: yes.
Comment: This variant was classified as: Benign. The following ACMG criteria were applied in classifying this variant: BS1,BS2.

Illumina Laboratory Services, Illumina
Classification: Benign for Childhood apraxia of speech. Last evaluated: 2018-01-12. Review status: criteria provided, single submitter. Criteria: ICSL Variant Classification Criteria 13 December 2019. Collection method: clinical testing. Allele origin: germline.
Comment: This variant was observed in the ICSL laboratory as part of a predisposition screen in an ostensibly healthy population. It had not been previously curated by ICSL or reported in the Human Gene Mutation Database (HGMD: prior to June 1st, 2018), and was therefore a candidate for classification through an automated scoring system. Utilizing variant allele frequency, disease prevalence and penetrance estimates, and inheritance mode, an automated score was calculated to assess if this variant is too frequent to cause the disease. Based on the score and internal cut-off values, a variant classified as benign is not then subjected to further curation. The score for this variant resulted in a classification of benign for this disease.

Center for Pediatric Genomic Medicine, Children's Mercy Hospital and Clinics
Classification: Likely benign. Last evaluated: 2015-10-07. Review status: criteria provided, single submitter. Criteria: ACMG Guidelines, 2015. Collection method: clinical testing. Allele origin: germline.
ClinVar note: Converted during submission from Likely Benign to Likely benign.

NM_014491.4(FOXP2):c.1266+8C>T

Gene: FOXP2 (forkhead box P2; plus strand). Cytogenetic location: 7q31.1.
Variant type: single nucleotide variant.
Coding change: c.1266+8C>T on transcript NM_014491.4 (MANE Select); 8 bases into the intron after coding-DNA position 1266, C replaced by T.
Molecular consequence: intron variant. On other transcripts: missense variant (2).
Genome position (GRCh38, 1-based): chr7:114,654,017, C>T. VCF-style: chr7-114654017-C-T. GRCh37 (hg19) VCF-style: chr7-114294072-C-T.
Other names: c.1274C>T, p.Ala425Val (NM_148899.3); c.1341+8C>T (NM_148898.4); c.1317+8C>T (NM_148900.4); c.1263+8C>T (NM_001172766.3); c.1349C>T, p.Ala450Val (NM_001172767.2); short protein forms A450V, A425V.
Identifiers: ClinVar variation 235442 (VCV000235442.24), dbSNP rs139649711, ClinGen allele CA4446041.